The following is an entry in ClinVar:

ClinVar aggregate classification (germline): Uncertain significance (1 of 4 stars; one submission).

Conditions:
Hereditary cancer-predisposing syndrome. Also called: Neoplastic Syndromes, Hereditary; Tumor predisposition; Hereditary Cancer Syndrome; Hereditary neoplastic syndrome. Identifiers: Orphanet 140162, MedGen C0027672, MeSH D009386, MONDO:0015356.

Submission:

Ambry Genetics
Classification: Uncertain significance for Hereditary cancer-predisposing syndrome. Last evaluated: 2026-03-31. Review status: criteria provided, single submitter. Criteria: Ambry Variant Classification Scheme 2023. Collection method: clinical testing. Allele origin: germline.
Comment: The p.D63E variant (also known as c.189T>G), located in coding exon 3 of the SDHA gene, results from a T to G substitution at nucleotide position 189. The aspartic acid at codon 63 is replaced by glutamic acid, an amino acid with highly similar properties. This amino acid position is conserved. In addition, this alteration is predicted to be deleterious by in silico analysis. Based on the available evidence, the clinical significance of this variant remains unclear.

NM_004168.4(SDHA):c.189T>G (p.Asp63Glu)

Gene: SDHA (succinate dehydrogenase complex flavoprotein subunit A; plus strand). Cytogenetic location: 5p15.33.
Variant type: single nucleotide variant.
Coding change: c.189T>G on transcript NM_004168.4 (MANE Select); coding-DNA position 189, T replaced by G.
Protein change: p.Asp63Glu; replaces aspartic acid 63 with glutamic acid.
Molecular consequence: missense variant.
Genome position (GRCh38, 1-based): chr5:224,398, T>G. VCF-style: chr5-224398-T-G. GRCh37 (hg19) VCF-style: chr5-224513-T-G.
Other names: c.189T>G, p.Asp63Glu (NM_001294332.2, NM_001330758.2); short protein forms D63E.
Identifiers: ClinVar variation 4864216 (VCV004864216.1).